The following is an entry in ClinVar:

NM_000271.5(NPC1):c.63T>G (p.Phe21Leu)

Gene: NPC1 (NPC intracellular cholesterol transporter 1; minus strand). Cytogenetic location: 18q11.2.
Variant type: single nucleotide variant.
Coding change: c.63T>G on transcript NM_000271.5 (MANE Select); coding-DNA position 63, T replaced by G.
Protein change: p.Phe21Leu; replaces phenylalanine 21 with leucine.
Molecular consequence: missense variant.
Genome position (GRCh38, 1-based): chr18:23,573,569, A>C on the plus strand (T>G on the coding strand, the complement: NPC1 is on the minus strand). VCF-style: chr18-23573569-A-C. GRCh37 (hg19) VCF-style: chr18-21153533-A-C.
Other names: short protein forms F21L.
Identifiers: ClinVar variation 1430139 (VCV001430139.5), dbSNP rs2145552491, ClinGen allele CA402041438.

ClinVar aggregate classification (germline): Uncertain significance (1 of 4 stars; one submission).

Conditions:
Niemann-Pick disease, type C1. Also called: NIEMANN-PICK DISEASE, VARIANT TYPE C1; NEUROVISCERAL STORAGE DISEASE WITH VERTICAL SUPRANUCLEAR OPHTHALMOPLEGIA; NIEMANN-PICK DISEASE WITH CHOLESTEROL ESTERIFICATION BLOCK; NIEMANN-PICK DISEASE WITHOUT SPHINGOMYELINASE DEFICIENCY; NIEMANN-PICK DISEASE, CHRONIC NEURONOPATHIC FORM. Identifiers: Orphanet 646, MedGen C3179455, MONDO:0009757, OMIM 257220.

Submission:

Labcorp Genetics (formerly Invitae), Labcorp
Classification: Uncertain significance for Niemann-Pick disease, type C1. Last evaluated: 2022-08-23. Review status: criteria provided, single submitter. Criteria: Invitae Variant Classification Sherloc (09022015). Collection method: clinical testing. Allele origin: germline.
Comment: This sequence change replaces phenylalanine, which is neutral and non-polar, with leucine, which is neutral and non-polar, at codon 21 of the NPC1 protein (p.Phe21Leu). This variant is not present in population databases (gnomAD no frequency). This variant has not been reported in the literature in individuals affected with NPC1-related conditions. ClinVar contains an entry for this variant (Variation ID: 1430139). Advanced modeling of protein sequence and biophysical properties (such as structural, functional, and spatial information, amino acid conservation, physicochemical variation, residue mobility, and thermodynamic stability) performed at Invitae indicates that this missense variant is not expected to disrupt NPC1 protein function. In summary, the available evidence is currently insufficient to determine the role of this variant in disease. Therefore, it has been classified as a Variant of Uncertain Significance.